The following is an entry in ClinVar:

ClinVar aggregate classification (germline): Uncertain significance (1 of 4 stars; one submission).

gnomAD v4.1: 89 of 1,605,296 alleles (0.0055%); highest among the groups gnomAD compares: Admixed American, 0.012%; no homozygotes.

Submission:

Labcorp Genetics (formerly Invitae), Labcorp
Classification: Uncertain significance. Last evaluated: 2024-05-09. Review status: criteria provided, single submitter. Criteria: Invitae Variant Classification Sherloc (09022015). Collection method: clinical testing. Allele origin: germline.
Comment: This sequence change replaces methionine, which is neutral and non-polar, with threonine, which is neutral and polar, at codon 492 of the LAMA3 protein (p.Met492Thr). This variant is present in population databases (rs137925254, gnomAD 0.02%). This variant has not been reported in the literature in individuals affected with LAMA3-related conditions. An algorithm developed to predict the effect of missense changes on protein structure and function (PolyPhen-2) suggests that this variant¬†is likely to be tolerated. In summary, the available evidence is currently insufficient to determine the role of this variant in disease. Therefore, it has been classified as a Variant of Uncertain Significance.

NM_198129.4(LAMA3):c.6302T>C (p.Met2101Thr)

Gene: LAMA3 (laminin subunit alpha 3; plus strand). Cytogenetic location: 18q11.2.
Variant type: single nucleotide variant.
Coding change: c.6302T>C on transcript NM_198129.4 (MANE Select); coding-DNA position 6302, T replaced by C.
Protein change: p.Met2101Thr; replaces methionine 2101 with threonine.
Molecular consequence: missense variant.
Genome position (GRCh38, 1-based): chr18:23,903,109, T>C. VCF-style: chr18-23903109-T-C. GRCh37 (hg19) VCF-style: chr18-21483073-T-C.
Other names: c.1475T>C, p.Met492Thr (NM_000227.6); c.6134T>C, p.Met2045Thr (NM_001127717.4); c.1307T>C, p.Met436Thr (NM_001127718.4); short protein forms M436T, M2045T, M492T, M2101T.
Identifiers: ClinVar variation 3727541 (VCV003727541.1).